The following is an entry in ClinVar:

NM_015450.3(POT1):c.1627G>C (p.Val543Leu)

Gene: POT1 (protection of telomeres 1; minus strand). Cytogenetic location: 7q31.33.
Variant type: single nucleotide variant.
Coding change: c.1627G>C on transcript NM_015450.3 (MANE Select); coding-DNA position 1627, G replaced by C.
Protein change: p.Val543Leu; replaces valine 543 with leucine.
Molecular consequence: missense variant. On other transcripts: non-coding transcript variant (3).
Genome position (GRCh38, 1-based): chr7:124,827,273, C>G on the plus strand (G>C on the coding strand, the complement: POT1 is on the minus strand). VCF-style: chr7-124827273-C-G. GRCh37 (hg19) VCF-style: chr7-124467327-C-G.
Other names: c.1234G>C, p.Val412Leu (NM_001042594.2); short protein forms V412L, V543L.
Identifiers: ClinVar variation 5027182 (VCV005027182.1).

ClinVar aggregate classification (germline): Uncertain significance (1 of 4 stars; one submission).

Conditions:
Hereditary cancer-predisposing syndrome. Also called: Neoplastic Syndromes, Hereditary; Tumor predisposition; Hereditary neoplastic syndrome; Hereditary Cancer Syndrome. Identifiers: Orphanet 140162, MedGen C0027672, MeSH D009386, MONDO:0015356.

Submission:

Ambry Genetics
Classification: Uncertain significance for Hereditary cancer-predisposing syndrome. Last evaluated: 2026-07-25. Review status: criteria provided, single submitter. Criteria: Ambry Variant Classification Scheme 2023. Collection method: clinical testing. Allele origin: germline.
Comment: The p.V543L variant (also known as c.1627G>C), located in coding exon 13 of the POT1 gene, results from a G to C substitution at nucleotide position 1627. The valine at codon 543 is replaced by leucine, an amino acid with highly similar properties. This amino acid position is conserved. In addition, this alteration is predicted to be tolerated by in silico analysis. Based on the available evidence, the clinical significance of this variant remains unclear.